The following is an entry in ClinVar:

NM_001029883.3(PCARE):c.443C>T (p.Thr148Ile)

Gene: PCARE (photoreceptor cilium actin regulator; minus strand). Cytogenetic location: 2p23.2.
Variant type: single nucleotide variant.
Coding change: c.443C>T on transcript NM_001029883.3 (MANE Select); coding-DNA position 443, C replaced by T.
Protein change: p.Thr148Ile; replaces threonine 148 with isoleucine.
Molecular consequence: missense variant.
Genome position (GRCh38, 1-based): chr2:29,073,819, G>A on the plus strand (C>T on the coding strand, the complement: PCARE is on the minus strand). VCF-style: chr2-29073819-G-A. GRCh37 (hg19) VCF-style: chr2-29296685-G-A.
Other names: short protein forms T148I.
Identifiers: ClinVar variation 1366672 (VCV001366672.7), dbSNP rs1275452031, ClinGen allele CA346482290.

ClinVar aggregate classification (germline): Uncertain significance (1 of 4 stars; one submission).

Allele frequency attached by ClinVar (database versions not stated): TOPMed below 0.00001; gnomAD 0.00001.

Submission:

Labcorp Genetics (formerly Invitae), Labcorp
Classification: Uncertain significance. Last evaluated: 2021-03-10. Review status: criteria provided, single submitter. Criteria: Invitae Variant Classification Sherloc (09022015). Collection method: clinical testing. Allele origin: germline.
Comment: In summary, the available evidence is currently insufficient to determine the role of this variant in disease. Therefore, it has been classified as a Variant of Uncertain Significance. Algorithms developed to predict the effect of missense changes on protein structure and function (SIFT, PolyPhen-2, Align-GVGD) all suggest that this variant is likely to be tolerated, but these predictions have not been confirmed by published functional studies and their clinical significance is uncertain. This variant has not been reported in the literature in individuals with PCARE-related conditions. This variant is not present in population databases (ExAC no frequency). This sequence change replaces threonine with isoleucine at codon 148 of the PCARE protein (p.Thr148Ile). The threonine residue is moderately conserved and there is a moderate physicochemical difference between threonine and isoleucine.